The following is an entry in ClinVar:

NM_001364564.1(SALL2):c.*496A>C

Gene: SALL2 (spalt like transcription factor 2; minus strand). Cytogenetic location: 14q11.2.
Variant type: single nucleotide variant.
Coding change: c.*496A>C on transcript NM_001364564.1 (MANE Select); 496 bases downstream of the stop codon, A replaced by C.
Molecular consequence: 3 prime UTR variant. On other transcripts: missense variant (2), non-coding transcript variant (2).
Genome position (GRCh38, 1-based): chr14:21,522,208, T>G on the plus strand (A>C on the coding strand, the complement: SALL2 is on the minus strand). VCF-style: chr14-21522208-T-G. GRCh37 (hg19) VCF-style: chr14-21990342-T-G.
Other names: c.2527A>C, p.Met843Leu (NM_001291446.2); c.2521A>C, p.Met841Leu (NM_001291447.2); c.*496A>C (NM_005407.3); short protein forms M841L, M843L.
Identifiers: ClinVar variation 3033477 (VCV003033477.2), dbSNP rs200715579, ClinGen allele CA7093345.
Genomic context (GRCh38, chr14:21,522,208, plus strand): 5'-GCACTGGTGGGGCCAGGCTTGGAGTGGTAGTGGAGGTGGAGCTGGAATTCCAGGGCTTCA[T>G]GGGCAGGCCATTTGACAGGAATGCCACATACTGGTTCTAGAAAGATAGGGGACCCATACC-3'

ClinVar aggregate classification (germline): Likely benign (0 of 4 stars; one submission).

Conditions:
SALL2-related disorder. Also called: SALL2-related condition.

Allele frequency attached by ClinVar (database versions not stated): 1000 Genomes Project 30x 0.00031; 1000 Genomes Project 0.00040; TOPMed 0.00192; gnomAD 0.00214; ESP Exome Variant Server 0.00296.
gnomAD v4.1: 5,323 of 1,597,170 alleles (0.33%); highest among the groups gnomAD compares: Non-Finnish European, 0.41%; 14 homozygotes.

Submission:

PreventionGenetics, part of Exact Sciences
Classification: Likely benign for SALL2-related condition. Last evaluated: 2020-07-06. Review status: no assertion criteria provided. Collection method: clinical testing. Allele origin: germline.
Comment: This variant is classified as likely benign based on ACMG/AMP sequence variant interpretation guidelines (Richards et al. 2015 PMID: 25741868, with internal and published modifications).